The following is an entry in ClinVar:

NM_001321967.2(ATAD1):c.463A>G (p.Ile155Val)

Gene: ATAD1 (ATPase family AAA domain containing 1; minus strand). Cytogenetic location: 10q23.31.
Variant type: single nucleotide variant.
Coding change: c.463A>G on transcript NM_001321967.2 (MANE Select); coding-DNA position 463, A replaced by G.
Protein change: p.Ile155Val; replaces isoleucine 155 with valine.
Molecular consequence: missense variant. On other transcripts: non-coding transcript variant (1).
Genome position (GRCh38, 1-based): chr10:87,784,590, T>C on the plus strand (A>G on the coding strand, the complement: ATAD1 is on the minus strand). VCF-style: chr10-87784590-T-C. GRCh37 (hg19) VCF-style: chr10-89544347-T-C.
Other names: c.463A>G, p.Ile155Val (NM_001321968.2, NM_032810.4); c.106A>G, p.Ile36Val (NM_001321969.2); short protein forms I155V, I36V.
Identifiers: ClinVar variation 1509468 (VCV001509468.8), dbSNP rs778145770, ClinGen allele CA5590080.
Genomic context (GRCh38, chr10:87,784,590, plus strand): 5'-CAGCCAATTTCTGAGATTCTCCATACCACTTATCGGTCAGTGTCGAAGGCTGAAGGTTAA[T>C]AAATCGACAGCCTGCTTCTTTGGCTGTGGCCTTGGCAATCAACGTTTTACCACAGCCTGG-3'
Protein context (NP_001308896.1, residues 145-165): ATAKEAGCRF[Ile155Val]NLQPSTLTDK

ClinVar aggregate classification (germline): Uncertain significance (1 of 4 stars; one submission).

Allele frequency attached by ClinVar (database versions not stated): gnomAD exomes below 0.00001 and 0.00005; ExAC 0.00001; gnomAD 0.00001.
gnomAD v4.1: 29 of 1,613,436 alleles (0.0018%); highest among the groups gnomAD compares: East Asian, 0.06%; no homozygotes.

Submission:

Labcorp Genetics (formerly Invitae), Labcorp
Classification: Uncertain significance. Last evaluated: 2022-08-10. Review status: criteria provided, single submitter. Criteria: Invitae Variant Classification Sherloc (09022015). Collection method: clinical testing. Allele origin: germline.
Comment: This sequence change replaces isoleucine with valine at codon 155 of the ATAD1 protein (p.Ile155Val). The isoleucine residue is highly conserved and there is a small physicochemical difference between isoleucine and valine. This variant is present in population databases (rs778145770, gnomAD 0.006%). This variant has not been reported in the literature in individuals affected with ATAD1-related conditions. ClinVar contains an entry for this variant (Variation ID: 1509468). Algorithms developed to predict the effect of missense changes on protein structure and function are either unavailable or do not agree on the potential impact of this missense change (SIFT: "Not Available"; PolyPhen-2: "Benign"; Align-GVGD: "Not Available"). In summary, the available evidence is currently insufficient to determine the role of this variant in disease. Therefore, it has been classified as a Variant of Uncertain Significance.